The following is an entry in ClinVar:

NM_000059.4(BRCA2):c.1999C>T (p.Leu667=)

Gene: BRCA2 (BRCA2 DNA repair associated; plus strand). Cytogenetic location: 13q13.1.
Variant type: single nucleotide variant.
Coding change: c.1999C>T on transcript NM_000059.4 (MANE Select); coding-DNA position 1999, C replaced by T.
Protein change: p.Leu667=; no amino-acid change (leucine 667 retained).
Molecular consequence: synonymous variant. On other transcripts: non-coding transcript variant (1), intron variant (2).
Genome position (GRCh38, 1-based): chr13:32,336,354, C>T. VCF-style: chr13-32336354-C-T. GRCh37 (hg19) VCF-style: chr13-32910491-C-T.
Other names: c.1999C>T, p.Leu667= (NM_001406719.1, NM_001406720.1); c.1909+2967C>T (NM_001406721.1); c.424+5324C>T (NM_001406722.1).
Identifiers: ClinVar variation 3075620 (VCV003075620.2), dbSNP rs2137482467, ClinGen allele CA483274990.

ClinVar aggregate classification (germline): Likely benign. Review status: criteria provided, multiple submitters, no conflicts (2 of 4 stars). 2 submissions from 2 submitters: Likely benign (2). Last evaluated 2025-03-20.

Conditions:
Hereditary cancer-predisposing syndrome. Also called: Tumor predisposition; Hereditary Cancer Syndrome; Hereditary neoplastic syndrome; Neoplastic Syndromes, Hereditary. Identifiers: Orphanet 140162, MedGen C0027672, MeSH D009386, MONDO:0015356.
Breast-ovarian cancer, familial, susceptibility to, 2 (BROVCA2). Also called: BRCA2 Hereditary Breast and Ovarian Cancer. Identifiers: Orphanet 145, MedGen C2675520, MONDO:0012933, OMIM 612555. Disease mechanism: loss of function.

Allele frequency attached by ClinVar (database versions not stated): gnomAD exomes below 0.00001.
gnomAD v4.1: 1 of 1,609,152 alleles (0.000062%); highest among the groups gnomAD compares: Non-Finnish European, 0.000085%; no homozygotes.

Submissions (2):

Ambry Genetics
Classification: Likely benign for Hereditary cancer-predisposing syndrome. Last evaluated: 2025-03-20. Review status: criteria provided, single submitter. Criteria: Ambry Variant Classification Scheme 2023. Collection method: clinical testing. Allele origin: germline.

All of Us Research Program, National Institutes of Health
Classification: Likely benign for Breast-ovarian cancer, familial, susceptibility to, 2. Last evaluated: 2023-04-28. Review status: criteria provided, single submitter. Criteria: ACMG Guidelines, 2015. Collection method: clinical testing. Allele origin: germline. Inheritance: Autosomal dominant inheritance. Observed: 1 variant allele, 1 heterozygote.
Comment: This study involves interpretation of variants in research participants for the purpose of population health screening. Participant phenotype was not available at the time of variant classification. Additional details can be found in publication PMID: 35346344, PMCID: PMC8962531